The following is an entry in ClinVar:

NM_001323289.2(CDKL5):c.1988C>T (p.Ser663Leu)

Gene: CDKL5 (cyclin dependent kinase like 5; plus strand). Cytogenetic location: Xp22.13.
Variant type: single nucleotide variant.
Coding change: c.1988C>T on transcript NM_001323289.2 (MANE Select); coding-DNA position 1988, C replaced by T.
Protein change: p.Ser663Leu; replaces serine 663 with leucine.
Molecular consequence: missense variant.
Genome position (GRCh38, 1-based): chrX:18,608,854, C>T. VCF-style: chrX-18608854-C-T. GRCh37 (hg19) VCF-style: chrX-18626974-C-T.
Other names: c.1988C>T, p.Ser663Leu (NM_001037343.2, NM_003159.3); short protein forms S663L.
Identifiers: ClinVar variation 3758276 (VCV003758276.2).

ClinVar aggregate classification (germline): Uncertain significance (1 of 4 stars; one submission).

Conditions:
Developmental and epileptic encephalopathy, 2 (DEE2). Also called: CDKL5 deficiency disorder; INFANTILE SPASM SYNDROME, X-LINKED 2. Identifiers: Orphanet 1934, Orphanet 3451, Orphanet 505652, MedGen C4750718, MONDO:0010396, OMIM 300672.
Angelman syndrome-like. Identifiers: MedGen CN128785.

gnomAD v4.1: 3 of 1,208,681 alleles (0.00025%); highest among the groups gnomAD compares: Non-Finnish European, 0.00022%; no homozygotes.

Submission:

Labcorp Genetics (formerly Invitae), Labcorp
Classification: Uncertain significance for Developmental and epileptic encephalopathy, 2; Angelman syndrome-like. Last evaluated: 2025-03-17. Review status: criteria provided, single submitter. Criteria: Invitae Variant Classification Sherloc (09022015). Collection method: clinical testing. Allele origin: germline.
Comment: This sequence change replaces serine, which is neutral and polar, with leucine, which is neutral and non-polar, at codon 663 of the CDKL5 protein (p.Ser663Leu). This variant is not present in population databases (gnomAD no frequency). This variant has not been reported in the literature in individuals affected with CDKL5-related conditions. Invitae Evidence Modeling of protein sequence and biophysical properties (such as structural, functional, and spatial information, amino acid conservation, physicochemical variation, residue mobility, and thermodynamic stability) indicates that this missense variant is not expected to disrupt CDKL5 protein function with a negative predictive value of 95%. In summary, the available evidence is currently insufficient to determine the role of this variant in disease. Therefore, it has been classified as a Variant of Uncertain Significance.